The following is an entry in ClinVar:

NM_016333.4(SRRM2):c.3979T>C (p.Phe1327Leu)

Gene: SRRM2 (serine/arginine repetitive matrix 2; plus strand). Cytogenetic location: 16p13.3.
Variant type: single nucleotide variant.
Coding change: c.3979T>C on transcript NM_016333.4 (MANE Select); coding-DNA position 3979, T replaced by C.
Protein change: p.Phe1327Leu; replaces phenylalanine 1327 with leucine.
Molecular consequence: missense variant.
Genome position (GRCh38, 1-based): chr16:2,764,507, T>C. VCF-style: chr16-2764507-T-C. GRCh37 (hg19) VCF-style: chr16-2814508-T-C.
Other names: short protein forms F1327L.
Identifiers: ClinVar variation 2781960 (VCV002781960.3), dbSNP rs2068472285, ClinGen allele CA394415966.

ClinVar aggregate classification (germline): Uncertain significance (1 of 4 stars; one submission).

Allele frequency attached by ClinVar (database versions not stated): gnomAD exomes below 0.00001.
gnomAD v4.1: 7 of 1,614,212 alleles (0.00043%); highest among the groups gnomAD compares: Non-Finnish European, 0.00051%; no homozygotes.

Submission:

Labcorp Genetics (formerly Invitae), Labcorp
Classification: Uncertain significance. Last evaluated: 2026-01-15. Review status: criteria provided, single submitter. Criteria: Invitae Variant Classification Sherloc (09022015). Collection method: clinical testing. Allele origin: germline.
Comment: This sequence change replaces phenylalanine, which is neutral and non-polar, with leucine, which is neutral and non-polar, at codon 1327 of the SRRM2 protein (p.Phe1327Leu). This variant is not present in population databases (gnomAD no frequency). This variant has not been reported in the literature in individuals affected with SRRM2-related conditions. ClinVar contains an entry for this variant (Variation ID: 2781960). Experimental studies and prediction algorithms are not available or were not evaluated, and the functional significance of this variant is currently unknown. In summary, the available evidence is currently insufficient to determine the role of this variant in disease. Therefore, it has been classified as a Variant of Uncertain Significance.